The following is an entry in ClinVar:

NM_000138.5(FBN1):c.4817-4A>G

Gene: FBN1 (fibrillin 1; minus strand). Cytogenetic location: 15q21.1.
Variant type: single nucleotide variant.
Coding change: c.4817-4A>G on transcript NM_000138.5 (MANE Select); 4 bases into the intron before coding-DNA position 4817, A replaced by G.
Molecular consequence: intron variant.
Genome position (GRCh38, 1-based): chr15:48,465,697, T>C on the plus strand (A>G on the coding strand, the complement: FBN1 is on the minus strand). VCF-style: chr15-48465697-T-C. GRCh37 (hg19) VCF-style: chr15-48757894-T-C.
Other names: c.4817-4A>G (NM_001406716.1).
Identifiers: ClinVar variation 5021595 (VCV005021595.1).

ClinVar aggregate classification (germline): Uncertain significance (1 of 4 stars; one submission).

Conditions:
Familial thoracic aortic aneurysm and aortic dissection (TAAD). Also called: Thoracic aortic aneurysms and dissections. Identifiers: Orphanet 91387, MedGen C4707243, MONDO:0019625.

Submission:

Ambry Genetics
Classification: Uncertain significance for Familial thoracic aortic aneurysm and aortic dissection. Last evaluated: 2026-08-17. Review status: criteria provided, single submitter. Criteria: Ambry Variant Classification Scheme 2023. Collection method: clinical testing. Allele origin: germline.
Comment: The c.4817-4A>G intronic variant results from an A to G substitution 4 nucleotides upstream from coding exon 39 in the FBN1 gene. This variant was reported in individual(s) with features consistent with aortic aneurysm (Ambry internal data). This nucleotide position is not well conserved in available vertebrate species. In silico splice site analysis predicts that this alteration will not have any significant effect on splicing. Based on the available evidence, the clinical significance of this variant remains unclear.